The following is an entry in ClinVar:

NM_001271.4(CHD2):c.3413+16G>A

Gene: CHD2 (chromodomain helicase DNA binding protein 2; plus strand). Cytogenetic location: 15q26.1.
Variant type: single nucleotide variant.
Coding change: c.3413+16G>A on transcript NM_001271.4 (MANE Select); 16 bases into the intron after coding-DNA position 3413, G replaced by A.
Molecular consequence: intron variant.
Genome position (GRCh38, 1-based): chr15:92,985,689, G>A. VCF-style: chr15-92985689-G-A. GRCh37 (hg19) VCF-style: chr15-93528919-G-A.
Identifiers: ClinVar variation 382929 (VCV000382929.10), dbSNP rs114892796, ClinGen allele CA7748197.

ClinVar aggregate classification (germline): Benign. Review status: criteria provided, multiple submitters, no conflicts (2 of 4 stars). 3 submissions from 3 submitters: Benign (3). Last evaluated 2026-02-03.

Conditions:
Developmental and epileptic encephalopathy 94 (DEE94). Also called: CHD2-Related Neurodevelopmental Disorders; Epileptic encephalopathy, childhood-onset. Identifiers: Orphanet 1942, Orphanet 2382, MedGen C3809278, MONDO:0014150, OMIM 615369.

Allele frequency attached by ClinVar (database versions not stated): gnomAD exomes 0.00332; ExAC 0.00396; gnomAD 0.01188 and 0.01273; TOPMed 0.01408; 1000 Genomes Project 0.01418; ESP Exome Variant Server 0.01470; 1000 Genomes Project 30x 0.01530.
gnomAD v4.1: 3,635 of 1,602,326 alleles (0.23%); highest among the groups gnomAD compares: African/African-American, 4.3%; 77 homozygotes.

Submissions (3):

Labcorp Genetics (formerly Invitae), Labcorp
Classification: Benign for Developmental and epileptic encephalopathy 94. Last evaluated: 2026-02-03. Review status: criteria provided, single submitter. Criteria: Invitae Variant Classification Sherloc (09022015). Collection method: clinical testing. Allele origin: germline.

GeneDx
Classification: Benign. Last evaluated: 2016-02-05. Review status: criteria provided, single submitter. Criteria: GeneDx Variant Classification (06012015). Collection method: clinical testing. Allele origin: germline. Affected: yes.
Comment: This variant is considered likely benign or benign based on one or more of the following criteria: it is a conservative change, it occurs at a poorly conserved position in the protein, it is predicted to be benign by multiple in silico algorithms, and/or has population frequency not consistent with disease.

Breakthrough Genomics
Classification: Benign. Review status: criteria provided, single submitter. Criteria: ACMG Guidelines, 2015. Collection method: not provided. Allele origin: germline. Inheritance: Autosomal dominant inheritance. Affected: yes.